The following is an entry in ClinVar:

NM_001292063.2(OTOG):c.6560C>T (p.Pro2187Leu)

Gene: OTOG (otogelin; plus strand). Cytogenetic location: 11p15.1.
Variant type: single nucleotide variant.
Coding change: c.6560C>T on transcript NM_001292063.2 (MANE Select); coding-DNA position 6560, C replaced by T.
Protein change: p.Pro2187Leu; replaces proline 2187 with leucine.
Molecular consequence: missense variant.
Genome position (GRCh38, 1-based): chr11:17,629,164, C>T. VCF-style: chr11-17629164-C-T. GRCh37 (hg19) VCF-style: chr11-17650711-C-T.
Other names: c.6596C>T, p.Pro2199Leu (NM_001277269.2); short protein forms P2187L, P2199L.
Identifiers: ClinVar variation 1331251 (VCV001331251.2), dbSNP rs963466460, ClinGen allele CA218493628.

ClinVar aggregate classification (germline): Uncertain significance (1 of 4 stars; one submission).

Allele frequency attached by ClinVar (database versions not stated): gnomAD exomes 0.00001; gnomAD 0.00002; TOPMed 0.00003.
gnomAD v4.1: 22 of 1,550,342 alleles (0.0014%); highest among the groups gnomAD compares: East Asian, 0.0049%; no homozygotes.

Submission:

GeneDx
Classification: Uncertain significance. Last evaluated: 2021-06-29. Review status: criteria provided, single submitter. Criteria: GeneDx Variant Classification Process June 2021. Collection method: clinical testing. Allele origin: germline. Affected: yes.
Comment: Not observed at significant frequency in large population cohorts (Lek et al., 2016); In silico analysis supports that this missense variant has a deleterious effect on protein structure/function; Has not been previously published as pathogenic or benign to our knowledge; This variant is associated with the following publications: (PMID: 27535533)